The following is an entry in ClinVar:

ClinVar aggregate classification (germline): Conflicting classifications of pathogenicity. Review status: criteria provided, conflicting classifications (1 of 4 stars). 2 submissions from 2 submitters: Likely pathogenic (1); Uncertain significance (1). Last evaluated 2025-10-23.

Conditions:
Hereditary cancer-predisposing syndrome. Also called: Neoplastic Syndromes, Hereditary; Tumor predisposition; Hereditary Cancer Syndrome; Hereditary neoplastic syndrome. Identifiers: Orphanet 140162, MedGen C0027672, MeSH D009386, MONDO:0015356.
Oligodontia-cancer predisposition syndrome. Also called: TOOTH AGENESIS-COLORECTAL CANCER SYNDROME. Identifiers: Orphanet 300576, MedGen C1837750, MONDO:0012075, OMIM 608615. Disease mechanism: loss of function.

Allele frequency attached by ClinVar (database versions not stated): gnomAD exomes below 0.00001.
gnomAD v4.1: 1 of 1,614,006 alleles (0.000062%); highest among the groups gnomAD compares: Non-Finnish European, 0.000085%; no homozygotes.

Submissions (2):

Ambry Genetics
Classification: Uncertain significance for Hereditary cancer-predisposing syndrome. Last evaluated: 2025-10-23. Review status: criteria provided, single submitter. Criteria: Ambry Variant Classification Scheme 2023. Collection method: clinical testing. Allele origin: germline.
Comment: The c.2237+1G>A intronic variant results from a G to A substitution one nucleotide after coding exon 8 of the AXIN2 gene. Alterations that disrupt the canonical splice site are expected to result in aberrant splicing. In silico splice site analysis predicts that this alteration will weaken the native splice donor site; however, direct evidence is insufficient at this time (Ambry internal data). The resulting transcript is predicted to be in-frame and is not expected to trigger nonsense-mediated mRNAdecay; however, direct evidence is unavailable. The exact functional effect of the altered amino acid sequence is unknown. This nucleotide position is highly conserved in available vertebrate species. Since supporting evidence is limited at this time, the clinical significance of this alteration remains unclear.

Labcorp Genetics (formerly Invitae), Labcorp
Classification: Likely pathogenic for Oligodontia-cancer predisposition syndrome. Last evaluated: 2023-01-14. Review status: criteria provided, single submitter. Criteria: Invitae Variant Classification Sherloc (09022015). Collection method: clinical testing. Allele origin: germline.
Comment: Algorithms developed to predict the effect of sequence changes on RNA splicing suggest that this variant may disrupt the consensus splice site. In summary, the currently available evidence indicates that the variant is pathogenic, but additional data are needed to prove that conclusively. Therefore, this variant has been classified as Likely Pathogenic. ClinVar contains an entry for this variant (Variation ID: 1788202). This variant has not been reported in the literature in individuals affected with AXIN2-related conditions. This variant is not present in population databases (gnomAD no frequency). This sequence change affects a donor splice site in intron 9 of the AXIN2 gene. It is expected to disrupt RNA splicing. Variants that disrupt the donor or acceptor splice site typically lead to a loss of protein function (PMID: 16199547), and loss-of-function variants in AXIN2 are known to be pathogenic (PMID: 15042511, 21416598).

Literature cited by the submitters: PubMed 16199547 (cited by Labcorp Genetics (formerly Invitae), Labcorp); PubMed 15042511 (cited by Labcorp Genetics (formerly Invitae), Labcorp); PubMed 21416598 (cited by Labcorp Genetics (formerly Invitae), Labcorp).

NM_004655.4(AXIN2):c.2237+1G>A

Gene: AXIN2 (axin 2; minus strand). Cytogenetic location: 17q24.1.
Variant type: single nucleotide variant.
Coding change: c.2237+1G>A on transcript NM_004655.4 (MANE Select); the canonical splice donor site of the intron after coding-DNA position 2237, G replaced by A.
Molecular consequence: splice donor variant.
Genome position (GRCh38, 1-based): chr17:65,535,625, C>T on the plus strand (G>A on the coding strand, the complement: AXIN2 is on the minus strand). VCF-style: chr17-65535625-C-T. GRCh37 (hg19) VCF-style: chr17-63531743-C-T.
Other names: c.2042+1G>A (NM_001363813.1).
Identifiers: ClinVar variation 1788202 (VCV001788202.7), dbSNP rs2144432097, ClinGen allele CA400675693.